The following is an entry in ClinVar:

NM_001267550.2(TTN):c.107271C>A (p.Tyr35757Ter)

Genes: TTN (titin; minus strand), TTN-AS1 (TTN antisense RNA 1; plus strand). Cytogenetic location: 2q31.2.
Variant type: single nucleotide variant.
Coding change: c.107271C>A on transcript NM_001267550.2 (MANE Select); coding-DNA position 107271, C replaced by A.
Protein change: p.Tyr35757Ter; replaces tyrosine 35757 with a stop codon.
Molecular consequence: nonsense.
Genome position (GRCh38, 1-based): chr2:178,528,380, G>T on the plus strand (C>A on the coding strand, the complement: TTN is on the minus strand). VCF-style: chr2-178528380-G-T. GRCh37 (hg19) VCF-style: chr2-179393107-G-T.
Other names: c.102348C>A, p.Tyr34116Ter (NM_001256850.1); c.80076C>A, p.Tyr26692Ter (NM_003319.4); c.99567C>A, p.Tyr33189Ter (NM_133378.4); c.80451C>A, p.Tyr26817Ter (NM_133432.3); c.80652C>A, p.Tyr26884Ter (NM_133437.4); short protein forms Y26692*, Y26817*, Y26884*, Y33189*, Y34116*, Y35757*.
Identifiers: ClinVar variation 3750669 (VCV003750669.2).

ClinVar aggregate classification (germline): Likely pathogenic (1 of 4 stars; one submission).

Conditions:
Autosomal recessive limb-girdle muscular dystrophy type 2J (LGMDR10). Also called: Limb-girdle muscular dystrophy, type 2J; MUSCULAR DYSTROPHY, LIMB-GIRDLE, AUTOSOMAL RECESSIVE 10. Identifiers: Orphanet 140922, MedGen C1837342, MONDO:0012127, OMIM 608807.
Dilated cardiomyopathy 1G (CMD1G). Identifiers: Orphanet 154, MedGen C1858763, MONDO:0011400, OMIM 604145.

Submission:

Labcorp Genetics (formerly Invitae), Labcorp
Classification: Likely pathogenic for Dilated cardiomyopathy 1G; Autosomal recessive limb-girdle muscular dystrophy type 2J. Last evaluated: 2024-10-15. Review status: criteria provided, single submitter. Criteria: Invitae Variant Classification Sherloc (09022015). Collection method: clinical testing. Allele origin: germline.
Comment: This sequence change creates a premature translational stop signal (p.Tyr35757*) in the TTN gene. While this is not anticipated to result in nonsense mediated decay, it is expected to create a truncated TTN protein. This variant is not present in population databases (gnomAD no frequency). This variant has not been observed in the literature in individuals with autosomal recessive TTN-related conditions. This variant has been reported in individual(s) with clinical features of autosomal dominant dilated cardiomyopathy (internal data); however, the role of the variant in this condition is currently unclear. This variant is located in the M band of TTN (PMID: 25589632). Truncating variants in this region have been previously reported in individuals affected with autosomal dominant or autosomal recessive myopathy and muscular dystrophy (PMID: 18948003, 23975875, 24395473). Truncating variants in this region have also been identified in individuals affected with autosomal dominant dilated cardiomyopathy and/or cardio-related conditions (PMID: 27869827, 32964742, internal data). In summary, the currently available evidence indicates that the variant is pathogenic, but additional data are needed to prove that conclusively. Therefore, this variant has been classified as Likely Pathogenic.

Literature cited by the submitters: PubMed 25589632; PubMed 18948003; PubMed 23975875; PubMed 24395473; PubMed 27869827; PubMed 32964742.